The following is an entry in ClinVar:

NM_000392.5(ABCC2):c.4179G>T (p.Met1393Ile)

Gene: ABCC2 (ATP binding cassette subfamily C member 2; plus strand). Cytogenetic location: 10q24.2.
Variant type: single nucleotide variant.
Coding change: c.4179G>T on transcript NM_000392.5 (MANE Select); coding-DNA position 4179, G replaced by T.
Protein change: p.Met1393Ile; replaces methionine 1393 with isoleucine.
Molecular consequence: missense variant.
Genome position (GRCh38, 1-based): chr10:99,846,993, G>T. VCF-style: chr10-99846993-G-T. GRCh37 (hg19) VCF-style: chr10-101606750-G-T.
Other names: c.4179G>T, p.Met1393Ile (LRG_1208t1); c.4179G>T (NM_000392.4); short protein forms M1393I.
Identifiers: ClinVar variation 196610 (VCV000196610.9), dbSNP rs779736415, ClinGen allele CA243621.

ClinVar aggregate classification (germline): Conflicting classifications of pathogenicity. Review status: criteria provided, conflicting classifications (1 of 4 stars). 5 submissions from 5 submitters: Likely pathogenic (1); Uncertain significance (4). Last evaluated 2026-01-22.

Conditions:
ABCC2-related disorder. Also called: ABCC2-related condition.
Dubin-Johnson syndrome (DJS). Also called: Jaundice, Chronic Idiopathic; Hyperbilirubinemia type 2; HYPERBILIRUBINEMIA, DUBIN-JOHNSON TYPE. Identifiers: Orphanet 234, MedGen C0022350, MONDO:0009380, OMIM 237500.

Allele frequency attached by ClinVar (database versions not stated): gnomAD 0.00002; TOPMed 0.00002.

Submissions (5):

PreventionGenetics, part of Exact Sciences
Classification: Uncertain significance for ABCC2-related condition. Last evaluated: 2026-01-22. Review status: criteria provided, single submitter. Criteria: ACMG Guidelines, 2015. Collection method: clinical testing. Allele origin: germline.
Comment: The ABCC2 c.4179G>T variant is predicted to result in the amino acid substitution p.Met1393Ile. This variant was reported in the homozygous state in two siblings with hepatopathy; however, they were also both homozygous for a variant in the ATP8B1 gene (Khabou et al. 2021. PubMed ID: 33713692). This variant is reported in 0.0065% of alleles in individuals of South Asian descent in gnomAD. At this time, the clinical significance of this variant is uncertain due to the absence of conclusive functional and genetic evidence.

Women's Health and Genetics/Laboratory Corporation of America, LabCorp
Classification: Likely pathogenic for Dubin-Johnson syndrome. Last evaluated: 2024-04-05. Review status: criteria provided, single submitter. Criteria: LabCorp Variant Classification Summary - May 2015. Collection method: clinical testing. Allele origin: germline.
Comment: Variant summary: ABCC2 c.4179G>T (p.Met1393Ile) results in a conservative amino acid change located in the ABC transporter-like, ATP-binding domain (IPR003439) of the encoded protein sequence. Three of five in-silico tools predict a damaging effect of the variant on protein function. The variant allele was found at a frequency of 2.8e-05 in 251452 control chromosomes (gnomAD). c.4179G>T has been reported in the literature in individuals affected with Dubin-Johnson Syndrome (Khabou_2021). These data indicate that the variant is likely to be associated with disease. To our knowledge, no experimental evidence demonstrating an impact on protein function has been reported. The following publication has been ascertained in the context of this evaluation (PMID: 33713692). ClinVar contains an entry for this variant (Variation ID: 196610). Based on the evidence outlined above, the variant was classified as likely pathogenic.

Genomic Medicine Center of Excellence, King Faisal Specialist Hospital and Research Centre
Classification: Uncertain significance for Dubin-Johnson syndrome. Last evaluated: 2024-03-26. Review status: criteria provided, single submitter. Criteria: ACMG Guidelines, 2015. Collection method: clinical testing. Allele origin: germline.

Blueprint Genetics
Classification: Uncertain significance. Last evaluated: 2024-03-11. Review status: criteria provided, single submitter. Criteria: ACMG Guidelines, 2015. Collection method: clinical testing. Allele origin: germline.

Eurofins Ntd Llc (ga)
Classification: Uncertain significance. Last evaluated: 2018-01-29. Review status: criteria provided, single submitter. Criteria: EGL Classification Definitions 2015. Collection method: clinical testing. Allele origin: germline. Observed: 4 variant alleles, 4 heterozygotes.

Literature cited by the submitters: PubMed 33713692 (cited by Women's Health and Genetics/Laboratory Corporation of America, LabCorp).